The following is an entry in ClinVar:

ClinVar aggregate classification (germline): Benign/Likely benign. Review status: criteria provided, multiple submitters, no conflicts (2 of 4 stars). 2 submissions from 2 submitters: Benign (1); Likely benign (1). Last evaluated 2018-07-09.

Conditions:
Mitochondrial complex I deficiency, nuclear type 1. Also called: NADH-COENZYME Q REDUCTASE DEFICIENCY; MITOCHONDRIAL NADH DEHYDROGENASE COMPONENT OF COMPLEX I, DEFICIENCY OF. Identifiers: MedGen C6022305, MONDO:0100224, OMIM 252010.

Allele frequency attached by ClinVar (database versions not stated): gnomAD exomes 0.00561; ExAC 0.00649; gnomAD 0.02226 and 0.02403; 1000 Genomes Project 0.02256; 1000 Genomes Project 30x 0.02452; TOPMed 0.02456; ESP Exome Variant Server 0.02464.
gnomAD v4.1: 6,768 of 1,611,098 alleles (0.42%); highest among the groups gnomAD compares: African/African-American, 7.8%; 223 homozygotes.

Submissions (2):

GeneDx
Classification: Benign. Last evaluated: 2018-07-09. Review status: criteria provided, single submitter. Criteria: GeneDx Variant Classification Process June 2021. Collection method: clinical testing. Allele origin: germline. Affected: yes.

Illumina Laboratory Services, Illumina
Classification: Likely benign for Mitochondrial complex I deficiency, nuclear type 1. Last evaluated: 2018-01-13. Review status: criteria provided, single submitter. Criteria: ICSL Variant Classification Criteria 13 December 2019. Collection method: clinical testing. Allele origin: germline.
Comment: This variant was observed in the ICSL laboratory as part of a predisposition screen in an ostensibly healthy population. It had not been previously curated by ICSL or reported in the Human Gene Mutation Database (HGMD: prior to June 1st, 2018), and was therefore a candidate for classification through an automated scoring system. Utilizing variant allele frequency, disease prevalence and penetrance estimates, and inheritance mode, an automated score was calculated to assess if this variant is too frequent to cause the disease. Based on the score and internal cut-off values, a variant classified as likely benign is not then subjected to further curation. The score for this variant resulted in a classification of likely benign for this disease.

NM_002496.4(NDUFS8):c.*40A>G

Gene: NDUFS8 (NADH:ubiquinone oxidoreductase core subunit S8; plus strand). Cytogenetic location: 11q13.2.
Variant type: single nucleotide variant.
Coding change: c.*40A>G on transcript NM_002496.4 (MANE Select); 40 bases downstream of the stop codon, A replaced by G.
Molecular consequence: 3 prime UTR variant.
Genome position (GRCh38, 1-based): chr11:68,036,633, A>G. VCF-style: chr11-68036633-A-G. GRCh37 (hg19) VCF-style: chr11-67804100-A-G.
Identifiers: ClinVar variation 305776 (VCV000305776.8), dbSNP rs61329983, ClinGen allele CA6146593.